The following is an entry in ClinVar:

ClinVar aggregate classification (germline): Uncertain significance (1 of 4 stars; one submission).

Submission:

GeneDx
Classification: Uncertain significance. Last evaluated: 2026-01-16. Review status: criteria provided, single submitter. Criteria: GeneDx Variant Classification Process June 2021. Collection method: clinical testing. Allele origin: germline.
Comment: Not observed at significant frequency in large population cohorts (gnomAD); In silico analysis supports that this missense variant has a deleterious effect on protein structure/function; Has not been previously published as pathogenic or benign to our knowledge

NM_002547.3(OPHN1):c.343C>A (p.Pro115Thr)

Gene: OPHN1 (oligophrenin 1; minus strand). Cytogenetic location: Xq12.
Variant type: single nucleotide variant.
Coding change: c.343C>A on transcript NM_002547.3 (MANE Select); coding-DNA position 343, C replaced by A.
Protein change: p.Pro115Thr; replaces proline 115 with threonine.
Molecular consequence: missense variant.
Genome position (GRCh38, 1-based): chrX:68,274,779, G>T on the plus strand (C>A on the coding strand, the complement: OPHN1 is on the minus strand). VCF-style: chrX-68274779-G-T. GRCh37 (hg19) VCF-style: chrX-67494621-G-T.
Other names: c.343C>A, p.Pro115Thr (NM_001437258.1); short protein forms P115T.
Identifiers: ClinVar variation 4532687 (VCV004532687.2).